The following is an entry in ClinVar:

NM_000553.6(WRN):c.2074A>T (p.Thr692Ser)

Gene: WRN (WRN RecQ like helicase; plus strand). Cytogenetic location: 8p12.
Variant type: single nucleotide variant.
Coding change: c.2074A>T on transcript NM_000553.6 (MANE Select); coding-DNA position 2074, A replaced by T.
Protein change: p.Thr692Ser; replaces threonine 692 with serine.
Molecular consequence: missense variant.
Genome position (GRCh38, 1-based): chr8:31,100,941, A>T. VCF-style: chr8-31100941-A-T. GRCh37 (hg19) VCF-style: chr8-30958457-A-T.
Other names: short protein forms T692S.
Identifiers: ClinVar variation 957592 (VCV000957592.5), dbSNP rs1814201985, ClinGen allele CA370908959.

ClinVar aggregate classification (germline): Uncertain significance (1 of 4 stars; one submission).

Conditions:
Werner syndrome (WRN). Identifiers: Orphanet 902, MedGen C0043119, MONDO:0010196, OMIM 277700.

Submission:

Labcorp Genetics (formerly Invitae), Labcorp
Classification: Uncertain significance for Werner syndrome. Last evaluated: 2019-10-24. Review status: criteria provided, single submitter. Criteria: Invitae Variant Classification Sherloc (09022015). Collection method: clinical testing. Allele origin: germline.
Comment: In summary, the available evidence is currently insufficient to determine the role of this variant in disease. Therefore, it has been classified as a Variant of Uncertain Significance. Algorithms developed to predict the effect of missense changes on protein structure and function output the following: SIFT: "Tolerated"; PolyPhen-2: "Benign"; Align-GVGD: "Class C0". The serine amino acid residue is found in multiple mammalian species, suggesting that this missense change does not adversely affect protein function. These predictions have not been confirmed by published functional studies and their clinical significance is uncertain. This variant has not been reported in the literature in individuals with WRN-related conditions. This variant is not present in population databases (ExAC no frequency). This sequence change replaces threonine with serine at codon 692 of the WRN protein (p.Thr692Ser). The threonine residue is weakly conserved and there is a small physicochemical difference between threonine and serine.